The following is an entry in ClinVar:

NM_001371623.1(TCOF1):c.3282C>G (p.Thr1094=)

Gene: TCOF1 (treacle ribosome biogenesis factor 1; plus strand). Cytogenetic location: 5q32.
Variant type: single nucleotide variant.
Coding change: c.3282C>G on transcript NM_001371623.1 (MANE Select); coding-DNA position 3282, C replaced by G.
Protein change: p.Thr1094=; no amino-acid change (threonine 1094 retained).
Molecular consequence: synonymous variant. On other transcripts: intron variant (2).
Genome position (GRCh38, 1-based): chr5:150,391,642, C>G. VCF-style: chr5-150391642-C-G. GRCh37 (hg19) VCF-style: chr5-149771205-C-G.
Other names: c.3051C>G, p.Thr1017= (NM_000356.4, NM_001135245.2); c.3282C>G, p.Thr1094= (NM_001135243.2); c.3184-315C>G (NM_001135244.2, NM_001195141.2); c.3282C>G (NM_001135243.1).
Identifiers: ClinVar variation 2743784 (VCV002743784.5), dbSNP rs758933546, ClinGen allele CA3511456.

ClinVar aggregate classification (germline): Likely benign. Review status: criteria provided, single submitter (1 of 4 stars). 2 submissions from 2 submitters: Likely benign (1). 1 of the submissions does not count toward it. Last evaluated 2025-02-10.

Conditions:
TCOF1-related disorder. Also called: TCOF1-related condition.
Treacher Collins syndrome 1 (TCS1). Also called: TCOF1-Related Treacher Collins Syndrome. Identifiers: Orphanet 861, MedGen CN315775, MONDO:0007944, OMIM 154500.

Allele frequency attached by ClinVar (database versions not stated): gnomAD exomes 0.00002; TOPMed 0.00002; ExAC 0.00005.
gnomAD v4.1: 22 of 1,613,950 alleles (0.0014%); highest among the groups gnomAD compares: Admixed American, 0.032%; no homozygotes.

Submissions (2):

Labcorp Genetics (formerly Invitae), Labcorp
Classification: Likely benign for Treacher Collins syndrome 1. Last evaluated: 2025-02-10. Review status: criteria provided, single submitter. Criteria: Invitae Variant Classification Sherloc (09022015). Collection method: clinical testing. Allele origin: germline.

PreventionGenetics, part of Exact Sciences
Classification: Likely benign for TCOF1-related condition. Last evaluated: 2024-01-03. Review status: no assertion criteria provided. Collection method: clinical testing. Allele origin: germline. Not counted in ClinVar's aggregate classification.
Comment: This variant is classified as likely benign based on ACMG/AMP sequence variant interpretation guidelines (Richards et al. 2015 PMID: 25741868, with internal and published modifications).